The following is an entry in ClinVar:

NM_001378454.1(ALMS1):c.11646_11648dup (p.Leu3883dup)

Gene: ALMS1 (ALMS1 centrosome and basal body associated protein; plus strand). Cytogenetic location: 2p13.1.
Variant type: Duplication.
Coding change: c.11646_11648dup on transcript NM_001378454.1 (MANE Select); coding-DNA positions 11646 to 11648, 3 bases duplicated (GTT; older notation c.11646_11648dupGTT).
Protein change: p.Leu3883dup; duplicates leucine 3883.
Molecular consequence: inframe insertion.
Genome position (GRCh38, 1-based): chr2:73,599,499-73,599,501, GTT duplicated; duplicating any 3 consecutive bases within chr2:73,599,498-73,599,501 gives the same sequence; the c. name uses the placement nearest the transcript's 3' end. VCF-style (leftmost placement, unchanged base first): chr2-73599497-A-ATGT. GRCh37 (hg19) VCF-style: chr2-73826624-A-ATGT.
Other names: c.11649_11651dupGTT (NM_015120.4); c.11649_11651dup, p.Leu3884dup (NM_015120.4).
Identifiers: ClinVar variation 551857 (VCV000551857.4), dbSNP rs1468861836, ClinGen allele CA533675661.

ClinVar aggregate classification (germline): Uncertain significance. Review status: criteria provided, single submitter (1 of 4 stars). 2 submissions from 2 submitters: Uncertain significance (1). 1 of the submissions does not count toward it. Last evaluated 2022-03-28.

Conditions:
Alstrom syndrome (ALMS). Identifiers: Orphanet 64, MedGen C0268425, MONDO:0008763, OMIM 203800.

Submissions (2):

Labcorp Genetics (formerly Invitae), Labcorp
Classification: Uncertain significance for Alstrom syndrome. Last evaluated: 2022-03-28. Review status: criteria provided, single submitter. Criteria: Invitae Variant Classification Sherloc (09022015). Collection method: clinical testing. Allele origin: germline.
Comment: This variant, c.11649_11651dup, is a complex sequence change that results in the insertion of 1 amino acid(s) in the ALMS1 protein (p.Leu3884dup). This variant is present in population databases (no rsID available, gnomAD 0.007%). This variant has not been reported in the literature in individuals affected with ALMS1-related conditions. ClinVar contains an entry for this variant (Variation ID: 551857). Experimental studies and prediction algorithms are not available or were not evaluated, and the functional significance of this variant is currently unknown. In summary, the available evidence is currently insufficient to determine the role of this variant in disease. Therefore, it has been classified as a Variant of Uncertain Significance.

Counsyl
Classification: Uncertain significance for Alstrom syndrome. Last evaluated: 2017-05-10. Review status: no assertion criteria provided. Collection method: clinical testing. Allele origin: unknown. Not counted in ClinVar's aggregate classification.